The following is an entry in ClinVar:

ClinVar aggregate classification (germline): Uncertain significance. Review status: criteria provided, multiple submitters, no conflicts (2 of 4 stars). 4 submissions from 4 submitters: Uncertain significance (4). Last evaluated 2026-04-29.

Conditions:
Hereditary cancer-predisposing syndrome. Also called: Tumor predisposition; Neoplastic Syndromes, Hereditary; Hereditary neoplastic syndrome; Hereditary Cancer Syndrome. Identifiers: Orphanet 140162, MedGen C0027672, MeSH D009386, MONDO:0015356.
Multiple endocrine neoplasia, type 1 (MEN1). Also called: MEN I; WERMER SYNDROME; MEA I; Endocrine adenomatosis multiple; MEN 1. Identifiers: Orphanet 652, MedGen C0025267, MeSH D018761, MONDO:0007540, OMIM 131100.

Allele frequency attached by ClinVar (database versions not stated): gnomAD exomes below 0.00001.

Submissions (4):

Ambry Genetics
Classification: Uncertain significance for Hereditary cancer-predisposing syndrome. Last evaluated: 2026-04-29. Review status: criteria provided, single submitter. Criteria: Ambry Variant Classification Scheme 2023. Collection method: clinical testing. Allele origin: germline.
Comment: The p.M239T variant (also known as c.716T>C), located in coding exon 3 of the MEN1 gene, results from a T to C substitution at nucleotide position 716. The methionine at codon 239 is replaced by threonine, an amino acid with similar properties. This amino acid position is highly conserved in available vertebrate species. In addition, this alteration is predicted to be deleterious by in silico analysis. Based on the available evidence, the clinical significance of this variant remains unclear.

All of Us Research Program, National Institutes of Health
Classification: Uncertain significance for Multiple endocrine neoplasia, type 1. Last evaluated: 2023-08-28. Review status: criteria provided, single submitter. Criteria: ACMG Guidelines, 2015. Collection method: clinical testing. Allele origin: germline. Inheritance: Autosomal dominant inheritance. Observed: 2 variant alleles, 2 heterozygotes.
Comment: This missense variant replaces methionine with threonine at codon 239 of the MEN1 protein. Computational prediction suggests that this variant may have deleterious impact on protein structure and function (internally defined REVEL score threshold >= 0.7, PMID: 27666373). To our knowledge, functional studies have not been reported for this variant. This variant has not been reported in individuals affected with MEN1-related disorders in the literature. This variant has been identified in 1/251400 chromosomes in the general population by the Genome Aggregation Database (gnomAD). The available evidence is insufficient to determine the role of this variant in disease conclusively. Therefore, this variant is classified as a Variant of Uncertain Significance.

This study involves interpretation of variants in research participants for the purpose of population health screening. Participant phenotype was not available at the time of variant classification. Additional details can be found in publication PMID: 35346344, PMCID: PMC8962531

Labcorp Genetics (formerly Invitae), Labcorp
Classification: Uncertain significance for Multiple endocrine neoplasia, type 1. Last evaluated: 2023-04-10. Review status: criteria provided, single submitter. Criteria: Invitae Variant Classification Sherloc (09022015). Collection method: clinical testing. Allele origin: germline.
Comment: In summary, the available evidence is currently insufficient to determine the role of this variant in disease. Therefore, it has been classified as a Variant of Uncertain Significance. Advanced modeling of protein sequence and biophysical properties (such as structural, functional, and spatial information, amino acid conservation, physicochemical variation, residue mobility, and thermodynamic stability) performed at Invitae indicates that this missense variant is expected to disrupt MEN1 protein function. ClinVar contains an entry for this variant (Variation ID: 826883). This variant has not been reported in the literature in individuals affected with MEN1-related conditions. This variant is present in population databases (no rsID available, gnomAD 0.0009%). This sequence change replaces methionine, which is neutral and non-polar, with threonine, which is neutral and polar, at codon 239 of the MEN1 protein (p.Met239Thr).

Sema4
Classification: Uncertain significance for Hereditary cancer-predisposing syndrome. Last evaluated: 2021-11-15. Review status: criteria provided, single submitter. Criteria: Sema4 Curation Guidelines. Collection method: curation. Allele origin: germline.
Comment: To the best of our knowledge, the MEN1 c.716T>C (p.M239T) variant has not been reported in individuals with MEN1-related disease. This variant was observed in 1/251400 chromosomes across the different populations included in the Genome Aggregation Database (PMID: 32461654), and has been reported in ClinVar (Variation ID: 826883). In silico tools suggest the impact of the variant on protein function is deleterious, though these predictions have not been confirmed by functional studies. Based on the current evidence available, this variant is interpreted as a variant of uncertain significance.

NM_001370259.2(MEN1):c.716T>C (p.Met239Thr)

Gene: MEN1 (menin 1; minus strand). Cytogenetic location: 11q13.1.
Variant type: single nucleotide variant.
Coding change: c.716T>C on transcript NM_001370259.2 (MANE Select); coding-DNA position 716, T replaced by C.
Protein change: p.Met239Thr; replaces methionine 239 with threonine.
Molecular consequence: missense variant.
Genome position (GRCh38, 1-based): chr11:64,807,619, A>G on the plus strand (T>C on the coding strand, the complement: MEN1 is on the minus strand). VCF-style: chr11-64807619-A-G. GRCh37 (hg19) VCF-style: chr11-64575091-A-G.
Other names: c.716T>C, p.Met239Thr (NM_130799.3, NM_001370251.2, NM_001370260.2 and 1 more transcripts); c.731T>C, p.Met244Thr (NM_130800.3, NM_130801.3, NM_130802.3 and 3 more transcripts); c.611T>C, p.Met204Thr (NM_001370262.2, NM_001370263.2); short protein forms M204T, M239T, M244T.
Identifiers: ClinVar variation 826883 (VCV000826883.14), dbSNP rs1441995061, ClinGen allele CA381184507.